The following is an entry in ClinVar:

ClinVar aggregate classification (germline): Uncertain significance. Review status: criteria provided, multiple submitters, no conflicts (2 of 4 stars). 4 submissions from 3 submitters: Uncertain significance (4). Last evaluated 2023-04-11.

Conditions:
Ectopia lentis et pupillae. Also called: ECTOPIA LENTIS WITH ECTOPIA OF PUPIL. Identifiers: Orphanet 1885, MedGen C1644196, MONDO:0009153, OMIM 225200.
Ectopia lentis 2, isolated, autosomal recessive (ECTOL2). Identifiers: Orphanet 1885, MedGen C3541474, MONDO:0009152, OMIM 225100.
Inborn genetic diseases. Identifiers: MedGen C0950123, MeSH D030342.

Allele frequency attached by ClinVar (database versions not stated): ExAC 0.00008; gnomAD 0.00009; gnomAD exomes 0.00010; TOPMed 0.00015; 1000 Genomes Project 30x 0.00016; 1000 Genomes Project 0.00020.
gnomAD v4.1: 71 of 1,611,248 alleles (0.0044%); highest among the groups gnomAD compares: East Asian, 0.029%; no homozygotes.

Submissions (4):

Genome-Nilou Lab
Classification: Uncertain significance for Ectopia lentis et pupillae. Last evaluated: 2023-04-11. Review status: criteria provided, single submitter. Criteria: ACMG Guidelines, 2015. Collection method: clinical testing. Allele origin: germline. Affected: no.

Genome-Nilou Lab
Classification: Uncertain significance for Ectopia lentis 2, isolated, autosomal recessive. Last evaluated: 2023-04-11. Review status: criteria provided, single submitter. Criteria: ACMG Guidelines, 2015. Collection method: clinical testing. Allele origin: germline. Affected: no.

Labcorp Genetics (formerly Invitae), Labcorp
Classification: Uncertain significance. Last evaluated: 2022-08-09. Review status: criteria provided, single submitter. Criteria: Invitae Variant Classification Sherloc (09022015). Collection method: clinical testing. Allele origin: germline.
Comment: This sequence change replaces glycine, which is neutral and non-polar, with serine, which is neutral and polar, at codon 345 of the ADAMTSL4 protein (p.Gly345Ser). This variant is present in population databases (rs587608856, gnomAD 0.09%). This variant has not been reported in the literature in individuals affected with ADAMTSL4-related conditions. ClinVar contains an entry for this variant (Variation ID: 1440298). Algorithms developed to predict the effect of missense changes on protein structure and function output the following: SIFT: "Tolerated"; PolyPhen-2: "Benign"; Align-GVGD: "Class C0". The serine amino acid residue is found in multiple mammalian species, which suggests that this missense change does not adversely affect protein function. In summary, the available evidence is currently insufficient to determine the role of this variant in disease. Therefore, it has been classified as a Variant of Uncertain Significance.

Ambry Genetics
Classification: Uncertain significance for Inborn genetic diseases. Last evaluated: 2022-04-12. Review status: criteria provided, single submitter. Criteria: Ambry Variant Classification Scheme 2023. Collection method: clinical testing. Allele origin: germline.

NM_019032.6(ADAMTSL4):c.1033G>A (p.Gly345Ser)

Genes: ADAMTSL4 (ADAMTS like 4; plus strand), ADAMTSL4-AS2 (ADAMTSL4 antisense RNA 2; minus strand). Cytogenetic location: 1q21.2.
Variant type: single nucleotide variant.
Coding change: c.1033G>A on transcript NM_019032.6 (MANE Select); coding-DNA position 1033, G replaced by A.
Protein change: p.Gly345Ser; replaces glycine 345 with serine.
Molecular consequence: missense variant.
Genome position (GRCh38, 1-based): chr1:150,554,024, G>A. VCF-style: chr1-150554024-G-A. GRCh37 (hg19) VCF-style: chr1-150526500-G-A.
Other names: c.1033G>A, p.Gly345Ser (NM_001288608.2, NM_001378596.1, NM_025008.5 and 1 more transcripts); c.1033G>A (NM_019032.4); short protein forms G345S.
Identifiers: ClinVar variation 1440298 (VCV001440298.5), dbSNP rs587608856, ClinGen allele CA1078105.